The following is an entry in ClinVar:

NM_025074.7(FRAS1):c.805C>T (p.Arg269Trp)

Gene: FRAS1 (Fraser extracellular matrix complex subunit 1; plus strand). Cytogenetic location: 4q21.21.
Variant type: single nucleotide variant.
Coding change: c.805C>T on transcript NM_025074.7 (MANE Select); coding-DNA position 805, C replaced by T.
Protein change: p.Arg269Trp; replaces arginine 269 with tryptophan.
Molecular consequence: missense variant.
Genome position (GRCh38, 1-based): chr4:78,267,256, C>T. VCF-style: chr4-78267256-C-T. GRCh37 (hg19) VCF-style: chr4-79188410-C-T.
Other names: c.805C>T, p.Arg269Trp (NM_001166133.2); short protein forms R269W.
Identifiers: ClinVar variation 1512216 (VCV001512216.7), dbSNP rs367972398, ClinGen allele CA2976089.

ClinVar aggregate classification (germline): Uncertain significance. Review status: criteria provided, multiple submitters, no conflicts (2 of 4 stars). 2 submissions from 2 submitters: Uncertain significance (2). Last evaluated 2024-10-24.

Conditions:
Fraser syndrome 1 (FRASRS1). Also called: CRYPTOPHTHALMOS WITH OTHER MALFORMATIONS. Identifiers: Orphanet 2052, MedGen C4551480, MONDO:0054737, OMIM 219000.

Allele frequency attached by ClinVar (database versions not stated): gnomAD 0.00001; ExAC 0.00002; gnomAD exomes 0.00002; ESP Exome Variant Server 0.00008.
gnomAD v4.1: 37 of 1,613,404 alleles (0.0023%); highest among the groups gnomAD compares: East Asian, 0.0045%; no homozygotes.

Submissions (2):

Labcorp Genetics (formerly Invitae), Labcorp
Classification: Uncertain significance. Last evaluated: 2024-10-24. Review status: criteria provided, single submitter. Criteria: Invitae Variant Classification Sherloc (09022015). Collection method: clinical testing. Allele origin: germline.
Comment: This sequence change replaces arginine, which is basic and polar, with tryptophan, which is neutral and slightly polar, at codon 269 of the FRAS1 protein (p.Arg269Trp). This variant is present in population databases (rs367972398, gnomAD 0.006%). This variant has not been reported in the literature in individuals affected with FRAS1-related conditions. ClinVar contains an entry for this variant (Variation ID: 1512216). Invitae Evidence Modeling of protein sequence and biophysical properties (such as structural, functional, and spatial information, amino acid conservation, physicochemical variation, residue mobility, and thermodynamic stability) indicates that this missense variant is not expected to disrupt FRAS1 protein function with a negative predictive value of 80%. In summary, the available evidence is currently insufficient to determine the role of this variant in disease. Therefore, it has been classified as a Variant of Uncertain Significance.

Fulgent Genetics
Classification: Uncertain significance for Fraser syndrome 1. Last evaluated: 2022-05-02. Review status: criteria provided, single submitter. Criteria: ACMG Guidelines, 2015. Collection method: clinical testing. Allele origin: unknown.